The following is an entry in ClinVar:

NM_003737.4(DCHS1):c.2660T>A (p.Val887Glu)

Gene: DCHS1 (dachsous cadherin-related 1; minus strand). Cytogenetic location: 11p15.4.
Variant type: single nucleotide variant.
Coding change: c.2660T>A on transcript NM_003737.4 (MANE Select); coding-DNA position 2660, T replaced by A.
Protein change: p.Val887Glu; replaces valine 887 with glutamic acid.
Molecular consequence: missense variant.
Genome position (GRCh38, 1-based): chr11:6,632,852, A>T on the plus strand (T>A on the coding strand, the complement: DCHS1 is on the minus strand). VCF-style: chr11-6632852-A-T. GRCh37 (hg19) VCF-style: chr11-6654083-A-T.
Other names: short protein forms V887E.
Identifiers: ClinVar variation 2785388 (VCV002785388.3), dbSNP rs2493830211, ClinGen allele CA379420039.
Genomic context (GRCh38, chr11:6,632,852, plus strand): 5'-GTGTTTGGTGGTAGCAATACCGTGTCTTCAGGTGCAGGAAAGGCAGGGGAGTTGTCATTC[A>T]CATCATCCAGCAGCACACGCACCCGAGCTACAGCGAAAGCTGGGGGCACTCCACTGCCTG-3'
Protein context (NP_003728.1, residues 877-897): VARVRVLLDD[Val887Glu]NDNSPAFPAP

ClinVar aggregate classification (germline): Uncertain significance (1 of 4 stars; one submission).

Submission:

Labcorp Genetics (formerly Invitae), Labcorp
Classification: Uncertain significance. Last evaluated: 2023-12-04. Review status: criteria provided, single submitter. Criteria: Invitae Variant Classification Sherloc (09022015). Collection method: clinical testing. Allele origin: germline.
Comment: This sequence change replaces valine, which is neutral and non-polar, with glutamic acid, which is acidic and polar, at codon 887 of the DCHS1 protein (p.Val887Glu). This variant is not present in population databases (gnomAD no frequency). This variant has not been reported in the literature in individuals affected with DCHS1-related conditions. Advanced modeling of protein sequence and biophysical properties (such as structural, functional, and spatial information, amino acid conservation, physicochemical variation, residue mobility, and thermodynamic stability) performed at Invitae indicates that this missense variant is not expected to disrupt DCHS1 protein function with a negative predictive value of 80%. In summary, the available evidence is currently insufficient to determine the role of this variant in disease. Therefore, it has been classified as a Variant of Uncertain Significance.